The following is an entry in ClinVar:

ClinVar aggregate classification (germline): Conflicting classifications of pathogenicity. Review status: criteria provided, conflicting classifications (1 of 4 stars). 7 submissions from 6 submitters: Uncertain significance (5); Likely benign (1). 1 of the submissions does not count toward it. Last evaluated 2025-12-23.

Conditions:
WDR35-related disorder. Also called: WDR35-related condition; WDR35-related disorders. Identifiers: MedGen CN239419.
Inborn genetic diseases. Identifiers: MedGen C0950123, MeSH D030342.
Short-rib thoracic dysplasia 7 with or without polydactyly (SRTD7). Also called: Short rib polydactyly syndrome 5; SHORT-RIB THORACIC DYSPLASIA 7 WITH POLYDACTYLY. Identifiers: Orphanet 498497, Orphanet 93271, MedGen C3279792, MONDO:0013569, OMIM 614091.
Cranioectodermal dysplasia 2 (CED2). Identifiers: OMIM 613610, Orphanet 1515, MedGen C3150874, MONDO:0013323.

Allele frequency attached by ClinVar (database versions not stated): gnomAD exomes 0.00009 and 0.00017; ExAC 0.00019; 1000 Genomes Project 0.00040; 1000 Genomes Project 30x 0.00047; ESP Exome Variant Server 0.00077; gnomAD 0.00086 and 0.00093; TOPMed 0.00099.
gnomAD v4.1: 271 of 1,613,274 alleles (0.017%); highest among the groups gnomAD compares: African/African-American, 0.3%; 2 homozygotes.

Submissions (7):

Labcorp Genetics (formerly Invitae), Labcorp
Classification: Likely benign for Cranioectodermal dysplasia 2; Short-rib thoracic dysplasia 7 with or without polydactyly. Last evaluated: 2025-12-23. Review status: criteria provided, single submitter. Criteria: Invitae Variant Classification Sherloc (09022015). Collection method: clinical testing. Allele origin: germline.

GeneDx
Classification: Uncertain significance. Last evaluated: 2024-11-20. Review status: criteria provided, single submitter. Criteria: GeneDx Variant Classification Process June 2021. Collection method: clinical testing. Allele origin: germline. Affected: yes.
Comment: In silico analysis supports that this missense variant has a deleterious effect on protein structure/function; Has not been previously published as pathogenic or benign to our knowledge

Ambry Genetics
Classification: Uncertain significance for Inborn genetic diseases. Last evaluated: 2024-07-30. Review status: criteria provided, single submitter. Criteria: Ambry Variant Classification Scheme 2023. Collection method: clinical testing. Allele origin: germline.

Eurofins Ntd Llc (ga)
Classification: Uncertain significance. Last evaluated: 2018-06-18. Review status: criteria provided, single submitter. Criteria: EGL ClinVar v180209 classification definitions. Collection method: clinical testing. Allele origin: germline. Observed: 1 variant allele, 1 heterozygote.

Illumina Laboratory Services, Illumina
Classification: Uncertain significance for Cranioectodermal dysplasia 2. Last evaluated: 2018-01-12. Review status: criteria provided, single submitter. Criteria: ICSL Variant Classification Criteria 13 December 2019. Collection method: clinical testing. Allele origin: germline.

Illumina Laboratory Services, Illumina
Classification: Uncertain significance for Short-rib thoracic dysplasia 7 with or without polydactyly. Last evaluated: 2018-01-12. Review status: criteria provided, single submitter. Criteria: ICSL Variant Classification Criteria 13 December 2019. Collection method: clinical testing. Allele origin: germline.

PreventionGenetics, part of Exact Sciences
Classification: Likely benign for WDR35-related condition. Last evaluated: 2022-03-31. Review status: no assertion criteria provided. Collection method: clinical testing. Allele origin: germline. Not counted in ClinVar's aggregate classification.
Comment: This variant is classified as likely benign based on ACMG/AMP sequence variant interpretation guidelines (Richards et al. 2015 PMID: 25741868, with internal and published modifications).

NM_020779.4(WDR35):c.2678T>C (p.Leu893Ser)

Gene: WDR35 (WD repeat domain 35; minus strand). Cytogenetic location: 2p24.1.
Variant type: single nucleotide variant.
Coding change: c.2678T>C on transcript NM_020779.4 (MANE Select); coding-DNA position 2678, T replaced by C.
Protein change: p.Leu893Ser; replaces leucine 893 with serine.
Molecular consequence: missense variant.
Genome position (GRCh38, 1-based): chr2:19,932,428, A>G on the plus strand (T>C on the coding strand, the complement: WDR35 is on the minus strand). VCF-style: chr2-19932428-A-G. GRCh37 (hg19) VCF-style: chr2-20132189-A-G.
Other names: c.2711T>C, p.Leu904Ser (NM_001006657.2); short protein forms L904S, L893S.
Identifiers: ClinVar variation 333377 (VCV000333377.25), dbSNP rs151047156, ClinGen allele CA1542859.